The following is an entry in ClinVar:

ClinVar aggregate classification (germline): Likely benign. Review status: criteria provided, multiple submitters, no conflicts (2 of 4 stars). 5 submissions from 5 submitters: Likely benign (5). Last evaluated 2026-01-15.

Conditions:
Mitochondrial complex III deficiency nuclear type 1. Identifiers: Orphanet 254902, MedGen C3541471, MONDO:0007415, OMIM 124000.
GRACILE syndrome (FLNMS). Also called: FELLMAN SYNDROME; FINNISH LETHAL NEONATAL METABOLIC SYNDROME. Identifiers: Orphanet 53693, MedGen C1864002, MONDO:0011308, OMIM 603358.
Pili torti-deafness syndrome (BJS). Also called: PILI TORTI AND NERVE DEAFNESS; Bjornstad syndrome. Identifiers: Orphanet 123, MedGen C0266006, MONDO:0009872, OMIM 262000.

Allele frequency attached by ClinVar (database versions not stated): TOPMed 0.00008; gnomAD exomes 0.00010 and 0.00013; gnomAD 0.00011 and 0.00012; 1000 Genomes Project 30x 0.00016; ExAC 0.00016; 1000 Genomes Project 0.00020; ESP Exome Variant Server 0.00023.
gnomAD v4.1: 171 of 1,613,952 alleles (0.011%); highest among the groups gnomAD compares: Non-Finnish European, 0.013%; no homozygotes.

Submissions (5):

Labcorp Genetics (formerly Invitae), Labcorp
Classification: Likely benign. Last evaluated: 2026-01-15. Review status: criteria provided, single submitter. Criteria: Invitae Variant Classification Sherloc (09022015). Collection method: clinical testing. Allele origin: germline.

CeGaT Center for Human Genetics Tuebingen
Classification: Likely benign. Last evaluated: 2025-11-01. Review status: criteria provided, single submitter. Criteria: CeGaT Center For Human Genetics Tuebingen Variant Classification Criteria Version 2. Collection method: clinical testing. Allele origin: germline. Affected: yes. Observed: 2 variant alleles.
Comment: BCS1L: BP4, BP7

Blueprint Genetics
Classification: Likely benign. Last evaluated: 2024-09-09. Review status: criteria provided, single submitter. Criteria: ACMG Guidelines, 2015. Collection method: clinical testing. Allele origin: germline.

Fulgent Genetics
Classification: Likely benign for Mitochondrial complex III deficiency nuclear type 1; Pili torti-deafness syndrome; GRACILE syndrome. Last evaluated: 2021-10-12. Review status: criteria provided, single submitter. Criteria: ACMG Guidelines, 2015. Collection method: clinical testing. Allele origin: unknown.

GeneDx
Classification: Likely benign. Last evaluated: 2016-10-14. Review status: criteria provided, single submitter. Criteria: GeneDx Variant Classification (06012015). Collection method: clinical testing. Allele origin: germline. Affected: yes.
Comment: This variant is considered likely benign or benign based on one or more of the following criteria: it is a conservative change, it occurs at a poorly conserved position in the protein, it is predicted to be benign by multiple in silico algorithms, and/or has population frequency not consistent with disease.

NM_001079866.2(BCS1L):c.702C>T (p.Cys234=)

Gene: BCS1L (BCS1 ubiquinol-cytochrome c reductase complex chaperone; plus strand). Cytogenetic location: 2q35.
Variant type: single nucleotide variant.
Coding change: c.702C>T on transcript NM_001079866.2 (MANE Select); coding-DNA position 702, C replaced by T.
Protein change: p.Cys234=; no amino-acid change (cysteine 234 retained).
Molecular consequence: synonymous variant. On other transcripts: non-coding transcript variant (1).
Genome position (GRCh38, 1-based): chr2:218,662,243, C>T. VCF-style: chr2-218662243-C-T. GRCh37 (hg19) VCF-style: chr2-219526966-C-T.
Other names: c.702C>T, p.Cys234= (NM_001257342.2, NM_001257343.2, NM_001257344.2 and 10 more transcripts); c.342C>T, p.Cys114= (NM_001318836.2, NM_001371451.1); c.201C>T, p.Cys67= (NM_001371452.1, NM_001371453.1, NM_001371454.1 and 3 more transcripts).
Identifiers: ClinVar variation 377559 (VCV000377559.38), dbSNP rs140405116, ClinGen allele CA2109730.